The following is an entry in ClinVar:

NM_001006658.3(CR2):c.2176_2177dup (p.Gln726fs)

Gene: CR2 (complement C3d receptor 2; plus strand). Cytogenetic location: 1q32.2.
Variant type: Duplication.
Coding change: c.2176_2177dup on transcript NM_001006658.3 (MANE Select); coding-DNA positions 2176 to 2177, 2 bases duplicated (CA; older notation c.2176_2177dupCA).
Protein change: p.Gln726fs; shifts the reading frame from glutamine 726.
Molecular consequence: frameshift variant.
Genome position (GRCh38, 1-based): chr1:207,473,821-207,473,822, CA duplicated; duplicating any 2 consecutive bases within chr1:207,473,820-207,473,822 gives the same sequence; the c. name uses the placement nearest the transcript's 3' end. VCF-style (leftmost placement, unchanged base first): chr1-207473819-G-GAC. GRCh37 (hg19) VCF-style: chr1-207647164-G-GAC.
Other names: c.1999_2000dup, p.Gln667fs (NM_001877.5); short protein forms Q667fs, Q726fs.
Identifiers: ClinVar variation 1047654 (VCV001047654.6), dbSNP rs1658357615, ClinGen allele CA2483412135.

ClinVar aggregate classification (germline): Pathogenic (1 of 4 stars; one submission).

Conditions:
Immunodeficiency, common variable, 7. Identifiers: Orphanet 1572, Orphanet 696894, MedGen C3542922, MONDO:0013862, OMIM 614699.

Submission:

Labcorp Genetics (formerly Invitae), Labcorp
Classification: Pathogenic for Immunodeficiency, common variable, 7. Last evaluated: 2022-09-19. Review status: criteria provided, single submitter. Criteria: Invitae Variant Classification Sherloc (09022015). Collection method: clinical testing. Allele origin: germline.
Comment: For these reasons, this variant has been classified as Pathogenic. ClinVar contains an entry for this variant (Variation ID: 1047654). This variant has not been reported in the literature in individuals affected with CR2-related conditions. This variant is not present in population databases (gnomAD no frequency). This sequence change creates a premature translational stop signal (p.Gln726Hisfs*15) in the CR2 gene. It is expected to result in an absent or disrupted protein product. Loss-of-function variants in CR2 are known to be pathogenic (PMID: 26325596, 28499783).

Literature cited by the submitters: PubMed 26325596; PubMed 28499783.